The following is an entry in ClinVar:

ClinVar aggregate classification (germline): Uncertain significance. Review status: criteria provided, multiple submitters, no conflicts (2 of 4 stars). 2 submissions from 2 submitters: Uncertain significance (2). Last evaluated 2023-09-07.

Conditions:
Myopathy, centronuclear, 5 (CNM5). Identifiers: Orphanet 169186, MedGen C4014814, MONDO:0014418, OMIM 615959.

Allele frequency attached by ClinVar (database versions not stated): gnomAD exomes 0.00002 and 0.00003; TOPMed 0.00002; gnomAD 0.00004 and 0.00008; ExAC 0.00006; 1000 Genomes Project 30x 0.00094; 1000 Genomes Project 0.00120.
gnomAD v4.1: 50 of 1,609,968 alleles (0.0031%); highest among the groups gnomAD compares: African/African-American, 0.047%; no homozygotes.

Submissions (2):

Clinical Genetics Laboratory, Skane University Hospital Lund
Classification: Uncertain significance. Last evaluated: 2023-09-07. Review status: criteria provided, single submitter. Criteria: ACMG Guidelines, 2015. Collection method: clinical testing. Allele origin: germline. Affected: yes.

Baylor Genetics
Classification: Uncertain significance for Myopathy, centronuclear, 5. Last evaluated: 2020-01-14. Review status: criteria provided, single submitter. Criteria: ACMG Guidelines, 2015. Collection method: clinical testing. Allele origin: unknown. Affected: yes.
Comment: This variant was determined to be of uncertain significance according to ACMG Guidelines, 2015 [PMID:25741868].

NM_005876.5(SPEG):c.5743A>C (p.Ser1915Arg)

Genes: ASIC4-AS1 (ASIC4 antisense RNA 1; minus strand), SPEG (striated muscle enriched protein kinase; plus strand). Cytogenetic location: 2q35.
Variant type: single nucleotide variant.
Coding change: c.5743A>C on transcript NM_005876.5 (MANE Select); coding-DNA position 5743, A replaced by C.
Protein change: p.Ser1915Arg; replaces serine 1915 with arginine.
Molecular consequence: missense variant.
Genome position (GRCh38, 1-based): chr2:219,483,206, A>C. VCF-style: chr2-219483206-A-C. GRCh37 (hg19) VCF-style: chr2-220347928-A-C.
Other names: short protein forms S1915R.
Identifiers: ClinVar variation 1028953 (VCV001028953.2), dbSNP rs199549168, ClinGen allele CA2126943.